The following is an entry in ClinVar:

ClinVar aggregate classification (germline): Benign/Likely benign. Review status: criteria provided, multiple submitters, no conflicts (2 of 4 stars). 3 submissions from 3 submitters: Benign (2); Likely benign (1). Last evaluated 2026-01-15.

Conditions:
Spermatogenic failure 18. Identifiers: MedGen C4539783, MONDO:0054615, OMIM 617576.
Ciliary dyskinesia, primary, 37 (CILD37). Also called: CILIARY DYSKINESIA, PRIMARY, 37, WITH OR WITHOUT SITUS INVERSUS. Identifiers: MedGen C4539798, MONDO:0033204, OMIM 617577.

Allele frequency attached by ClinVar (database versions not stated): gnomAD 0.00040 and 0.00074; TOPMed 0.00078; gnomAD exomes 0.00141; ExAC 0.00225; 1000 Genomes Project 30x 0.00297; 1000 Genomes Project 0.00379.
gnomAD v4.1: 1,411 of 1,611,422 alleles (0.088%); highest among the groups gnomAD compares: East Asian, 3%; 31 homozygotes.

Submissions (3):

Labcorp Genetics (formerly Invitae), Labcorp
Classification: Benign for Ciliary dyskinesia, primary, 37; Spermatogenic failure 18. Last evaluated: 2026-01-15. Review status: criteria provided, single submitter. Criteria: Invitae Variant Classification Sherloc (09022015). Collection method: clinical testing. Allele origin: germline.

Mayo Clinic Laboratories, Mayo Clinic
Classification: Benign. Last evaluated: 2024-12-17. Review status: criteria provided, single submitter. Criteria: ACMG Guidelines, 2015. Collection method: clinical testing. Allele origin: germline. Observed: 1 variant allele.
Comment: BS1, BS2, BP4, BP7

Blueprint Genetics
Classification: Likely benign. Last evaluated: 2024-11-18. Review status: criteria provided, single submitter. Criteria: ACMG Guidelines, 2015. Collection method: clinical testing. Allele origin: germline.

NM_015512.5(DNAH1):c.969C>T (p.Asp323=)

Gene: DNAH1 (dynein axonemal heavy chain 1; plus strand). Cytogenetic location: 3p21.1.
Variant type: single nucleotide variant.
Coding change: c.969C>T on transcript NM_015512.5 (MANE Select); coding-DNA position 969, C replaced by T.
Protein change: p.Asp323=; no amino-acid change (aspartic acid 323 retained).
Molecular consequence: synonymous variant.
Genome position (GRCh38, 1-based): chr3:52,331,245, C>T. VCF-style: chr3-52331245-C-T. GRCh37 (hg19) VCF-style: chr3-52365261-C-T.
Other names: p.Asp323=.
Identifiers: ClinVar variation 772386 (VCV000772386.11), dbSNP rs3864111, ClinGen allele CA2432829.
Genomic context (GRCh38, chr3:52,331,245, plus strand): 5'-CGAGGTCGGCGTCCTGGACTACGACGAGGAGAAGAAGCTATACCTGGTACACAAGACAGA[C>T]GAGAAAGGCCTGGTGCGAGATGAGATGGGGAGGCCCATCCTGAATGCAGGGGTCACCACT-3'
Protein context (NP_056327.4, residues 313-333): EKKLYLVHKT[Asp323=]EKGLVRDEMG